The following is an entry in ClinVar:

ClinVar aggregate classification (germline): Pathogenic/Likely pathogenic. Review status: criteria provided, multiple submitters, no conflicts (2 of 4 stars). 2 submissions from 2 submitters: Pathogenic (1); Likely pathogenic (1). Last evaluated 2023-11-10.

Conditions:
Osteogenesis imperfecta type I (OI1). Also called: Lobstein's Disease; Classic Non-deforming Osteogenesis Imperfecta with Blue Sclerae; Lobstein disease; OI, TYPE I; OSTEOGENESIS IMPERFECTA TARDA; OSTEOGENESIS IMPERFECTA WITH BLUE SCLERAE. Identifiers: Orphanet 216796, Orphanet 666, MedGen C0023931, MONDO:0008146, OMIM 166200. Disease mechanism: loss of function.
Ehlers-Danlos syndrome, classic type, 1 (EDSCL1). Also called: Ehlers-Danlos syndrome, type 1; Ehlers-Danlos Syndrome, Classic Type, COL5A1-Related; EDS I; EHLERS-DANLOS SYNDROME, GRAVIS TYPE; EHLERS-DANLOS SYNDROME, SEVERE CLASSIC TYPE. Identifiers: MedGen C0268335, MONDO:0019567, OMIM 130000.
Osteogenesis imperfecta (OI). Identifiers: Orphanet 666, MedGen C0029434, MeSH D010013, MONDO:0019019.

Submissions (2):

Labcorp Genetics (formerly Invitae), Labcorp
Classification: Pathogenic for Osteogenesis imperfecta type I; Ehlers-Danlos syndrome, classic type, 1. Last evaluated: 2023-11-10. Review status: criteria provided, single submitter. Criteria: Invitae Variant Classification Sherloc (09022015). Collection method: clinical testing. Allele origin: germline.
Comment: This sequence change replaces glycine, which is neutral and non-polar, with cysteine, which is neutral and slightly polar, at codon 361 of the COL1A2 protein (p.Gly361Cys). This variant is not present in population databases (gnomAD no frequency). This missense change has been observed in individual(s) with Osteogenesis imperfecta (Invitae). ClinVar contains an entry for this variant (Variation ID: 870114). Advanced modeling of protein sequence and biophysical properties (such as structural, functional, and spatial information, amino acid conservation, physicochemical variation, residue mobility, and thermodynamic stability) performed at Invitae indicates that this missense variant is expected to disrupt COL1A2 protein function with a positive predictive value of 95%. This variant disrupts the triple helix domain of COL1A2. Glycine residues within the Gly-Xaa-Yaa repeats of the triple helix domain are required for the structure and stability of fibrillar collagens (PMID: 7695699, 8218237, 19344236). In COL1A2, variants affecting these glycine residues are significantly enriched in individuals with disease (PMID: 9016532, 17078022) compared to the general population (ExAC). For these reasons, this variant has been classified as Pathogenic.

Genetics Department, Polish Mother's Memorial Hospital Research Institute
Classification: Likely pathogenic for Osteogenesis imperfecta. Last evaluated: 2020-04-06. Review status: criteria provided, single submitter. Criteria: ACMG Guidelines, 2015. Collection method: research. Allele origin: de novo. Affected: yes. Observed: 1 variant allele.

Literature cited by the submitters: PubMed 7695699 (cited by Labcorp Genetics (formerly Invitae), Labcorp); PubMed 8218237 (cited by Labcorp Genetics (formerly Invitae), Labcorp); PubMed 19344236 (cited by Labcorp Genetics (formerly Invitae), Labcorp); PubMed 9016532 (cited by Labcorp Genetics (formerly Invitae), Labcorp); PubMed 17078022 (cited by Labcorp Genetics (formerly Invitae), Labcorp).

NM_000089.4(COL1A2):c.1081G>T (p.Gly361Cys)

Gene: COL1A2 (collagen type I alpha 2 chain; plus strand). Cytogenetic location: 7q21.3.
Variant type: single nucleotide variant.
Coding change: c.1081G>T on transcript NM_000089.4 (MANE Select); coding-DNA position 1081, G replaced by T.
Protein change: p.Gly361Cys; replaces glycine 361 with cysteine.
Molecular consequence: missense variant.
Genome position (GRCh38, 1-based): chr7:94,410,287, G>T. VCF-style: chr7-94410287-G-T. GRCh37 (hg19) VCF-style: chr7-94039599-G-T.
Other names: short protein forms G361C.
Identifiers: ClinVar variation 870114 (VCV000870114.5), dbSNP rs1791894410, ClinGen allele CA368221108.